The following is an entry in ClinVar:

NM_000191.3(HMGCL):c.106G>T (p.Val36Leu)

Gene: HMGCL (3-hydroxy-3-methylglutaryl-CoA lyase; minus strand). Cytogenetic location: 1p36.11.
Variant type: single nucleotide variant.
Coding change: c.106G>T on transcript NM_000191.3 (MANE Select); coding-DNA position 106, G replaced by T.
Protein change: p.Val36Leu; replaces valine 36 with leucine.
Molecular consequence: missense variant.
Genome position (GRCh38, 1-based): chr1:23,820,548, C>A on the plus strand (G>T on the coding strand, the complement: HMGCL is on the minus strand). VCF-style: chr1-23820548-C-A. GRCh37 (hg19) VCF-style: chr1-24147038-C-A.
Other names: c.106G>T, p.Val36Leu (NM_001166059.2); short protein forms V36L.
Identifiers: ClinVar variation 3858140 (VCV003858140.2).

ClinVar aggregate classification (germline): Uncertain significance. Review status: criteria provided, multiple submitters, no conflicts (2 of 4 stars). 2 submissions from 2 submitters: Uncertain significance (2). Last evaluated 2025-02-12.

Conditions:
Deficiency of hydroxymethylglutaryl-CoA lyase (HMGCLD). Also called: HMGCL DEFICIENCY; HYDROXYMETHYLGLUTARIC ACIDURIA; Defect in leucine metabolism; 3-hydroxy-3-methylglutaric aciduria; HMG-CoA LYASE DEFICIENCY. Identifiers: Orphanet 20, MedGen C1533587, MONDO:0009520, OMIM 246450.
Inborn genetic diseases. Identifiers: MedGen C0950123, MeSH D030342.

gnomAD v4.1: 2 of 1,614,024 alleles (0.00012%); highest among the groups gnomAD compares: African/African-American, 0.0013%; no homozygotes.

Submissions (2):

3billion
Classification: Uncertain significance for Deficiency of hydroxymethylglutaryl-CoA lyase. Last evaluated: 2025-02-12. Review status: criteria provided, single submitter. Criteria: ACMG Guidelines, 2015. Collection method: clinical testing. Allele origin: germline. Affected: yes.
Comment: The variant is observed at an extremely low frequency in the gnomAD v4.1.0 dataset (total allele frequency: 0.001%). Predicted Consequence/Location: Missense variant. The majority of the known disease-causing variants of this gene are variants expected to result in premature termination of the protein. In silico tool predictions suggest damaging effect of the variant on gene or gene product [REVEL: 0.74 (>=0.6, sensitivity 0.68 and specificity 0.92)]. Therefore, this variant is classified as VUS according to the recommendation of ACMG/AMP guideline.

Ambry Genetics
Classification: Uncertain significance for Inborn genetic diseases. Last evaluated: 2025-01-23. Review status: criteria provided, single submitter. Criteria: Ambry Variant Classification Scheme 2023. Collection method: clinical testing. Allele origin: germline.